The following is an entry in ClinVar:

ClinVar aggregate classification (germline): Uncertain significance (1 of 4 stars; one submission).

Conditions:
Spastic paraplegia. Identifiers: MedGen C0037772, HP:0001258.

Submission:

Labcorp Genetics (formerly Invitae), Labcorp
Classification: Uncertain significance for Spastic paraplegia. Last evaluated: 2025-03-17. Review status: criteria provided, single submitter. Criteria: Invitae Variant Classification Sherloc (09022015). Collection method: clinical testing. Allele origin: germline.
Comment: This sequence change replaces proline, which is neutral and non-polar, with serine, which is neutral and polar, at codon 306 of the KIF5A protein (p.Pro306Ser). This variant is not present in population databases (gnomAD no frequency). This variant has not been reported in the literature in individuals affected with KIF5A-related conditions. Invitae Evidence Modeling of protein sequence and biophysical properties (such as structural, functional, and spatial information, amino acid conservation, physicochemical variation, residue mobility, and thermodynamic stability) has been performed for this missense variant. However, the output from this modeling did not meet the statistical confidence thresholds required to predict the impact of this variant on KIF5A protein function. In summary, the available evidence is currently insufficient to determine the role of this variant in disease. Therefore, it has been classified as a Variant of Uncertain Significance.

NM_004984.4(KIF5A):c.916C>T (p.Pro306Ser)

Gene: KIF5A (kinesin family member 5A; plus strand). Cytogenetic location: 12q13.3.
Variant type: single nucleotide variant.
Coding change: c.916C>T on transcript NM_004984.4 (MANE Select); coding-DNA position 916, C replaced by T.
Protein change: p.Pro306Ser; replaces proline 306 with serine.
Molecular consequence: missense variant.
Genome position (GRCh38, 1-based): chr12:57,569,352, C>T. VCF-style: chr12-57569352-C-T. GRCh37 (hg19) VCF-style: chr12-57963135-C-T.
Other names: c.649C>T, p.Pro217Ser (NM_001354705.2); short protein forms P217S, P306S.
Identifiers: ClinVar variation 3637607 (VCV003637607.2).